The following is an entry in ClinVar:

ClinVar aggregate classification (germline): Uncertain significance. Review status: criteria provided, multiple submitters, no conflicts (2 of 4 stars). 3 submissions from 3 submitters: Uncertain significance (2). 1 of the submissions does not count toward it. Last evaluated 2026-01-25.

Conditions:
Alport syndrome. Also called: Hemorrhagic familial nephritis; Hemorrhagic hereditary nephritis; Congenital hereditary hematuria. Identifiers: Orphanet 63, MedGen C1567741, MONDO:0018965.

Allele frequency attached by ClinVar (database versions not stated): gnomAD exomes 0.00001 and 0.00002; ExAC 0.00003; ESP Exome Variant Server 0.00008.
gnomAD v4.1: 8 of 1,613,958 alleles (0.0005%); highest among the groups gnomAD compares: South Asian, 0.0022%; no homozygotes.

Submissions (3):

Labcorp Genetics (formerly Invitae), Labcorp
Classification: Uncertain significance. Last evaluated: 2026-01-25. Review status: criteria provided, single submitter. Criteria: Invitae Variant Classification Sherloc (09022015). Collection method: clinical testing. Allele origin: germline.
Comment: This sequence change replaces arginine, which is basic and polar, with histidine, which is basic and polar, at codon 1565 of the COL4A4 protein (p.Arg1565His). This variant is present in population databases (rs200109045, gnomAD 0.007%). This variant has not been reported in the literature in individuals affected with COL4A4-related conditions. ClinVar contains an entry for this variant (Variation ID: 1060313). Invitae Evidence Modeling of protein sequence and biophysical properties (such as structural, functional, and spatial information, amino acid conservation, physicochemical variation, residue mobility, and thermodynamic stability) indicates that this missense variant is expected to disrupt COL4A4 protein function with a positive predictive value of 95%. In summary, the available evidence is currently insufficient to determine the role of this variant in disease. Therefore, it has been classified as a Variant of Uncertain Significance.

GeneDx
Classification: Uncertain significance. Last evaluated: 2025-04-01. Review status: criteria provided, single submitter. Criteria: GeneDx Variant Classification Process June 2021. Collection method: clinical testing. Allele origin: germline. Affected: yes.
Comment: In silico analysis supports that this missense variant has a deleterious effect on protein structure/function; Has not been previously published as pathogenic or benign to our knowledge

Natera, Inc.
Classification: Uncertain significance for Alport syndrome. Last evaluated: 2020-01-27. Review status: no assertion criteria provided. Collection method: clinical testing. Allele origin: germline. Not counted in ClinVar's aggregate classification.

NM_000092.5(COL4A4):c.4694G>A (p.Arg1565His)

Gene: COL4A4 (collagen type IV alpha 4 chain; minus strand). Cytogenetic location: 2q36.3.
Variant type: single nucleotide variant.
Coding change: c.4694G>A on transcript NM_000092.5 (MANE Select); coding-DNA position 4694, G replaced by A.
Protein change: p.Arg1565His; replaces arginine 1565 with histidine.
Molecular consequence: missense variant.
Genome position (GRCh38, 1-based): chr2:227,008,133, C>T on the plus strand (G>A on the coding strand, the complement: COL4A4 is on the minus strand). VCF-style: chr2-227008133-C-T. GRCh37 (hg19) VCF-style: chr2-227872849-C-T.
Other names: c.4694G>A (NM_000092.4); short protein forms R1565H.
Identifiers: ClinVar variation 1060313 (VCV001060313.7), dbSNP rs200109045, ClinGen allele CA2144094.